The following is an entry in ClinVar:

NM_024928.5(STN1):c.851A>G (p.Asp284Gly)

Gene: STN1 (STN1 subunit of CST complex; minus strand). Cytogenetic location: 10q24.33.
Variant type: single nucleotide variant.
Coding change: c.851A>G on transcript NM_024928.5 (MANE Select); coding-DNA position 851, A replaced by G.
Protein change: p.Asp284Gly; replaces aspartic acid 284 with glycine.
Molecular consequence: missense variant.
Genome position (GRCh38, 1-based): chr10:103,892,155, T>C on the plus strand (A>G on the coding strand, the complement: STN1 is on the minus strand). VCF-style: chr10-103892155-T-C. GRCh37 (hg19) VCF-style: chr10-105651913-T-C.
Other names: short protein forms D284G.
Identifiers: ClinVar variation 1366966 (VCV001366966.5), dbSNP rs1337433407, ClinGen allele CA378044076.

ClinVar aggregate classification (germline): Uncertain significance (1 of 4 stars; one submission).

Allele frequency attached by ClinVar (database versions not stated): gnomAD exomes below 0.00001 and 0.00002; gnomAD 0.00001; TOPMed 0.00001.
gnomAD v4.1: 36 of 1,611,516 alleles (0.0022%); highest among the groups gnomAD compares: Non-Finnish European, 0.0024%; no homozygotes.

Submission:

Labcorp Genetics (formerly Invitae), Labcorp
Classification: Uncertain significance. Last evaluated: 2022-02-05. Review status: criteria provided, single submitter. Criteria: Invitae Variant Classification Sherloc (09022015). Collection method: clinical testing. Allele origin: germline.
Comment: This sequence change replaces aspartic acid, which is acidic and polar, with glycine, which is neutral and non-polar, at codon 284 of the STN1 protein (p.Asp284Gly). This variant is present in population databases (no rsID available, gnomAD 0.0009%). This variant has not been reported in the literature in individuals affected with STN1-related conditions. Algorithms developed to predict the effect of missense changes on protein structure and function (SIFT, PolyPhen-2, Align-GVGD) all suggest that this variant is likely to be tolerated. Algorithms developed to predict the effect of sequence changes on RNA splicing suggest that this variant may create or strengthen a splice site. In summary, the available evidence is currently insufficient to determine the role of this variant in disease. Therefore, it has been classified as a Variant of Uncertain Significance.